The following is an entry in ClinVar:

ClinVar aggregate classification (germline): Uncertain significance. Review status: criteria provided, multiple submitters, no conflicts (2 of 4 stars). 2 submissions from 2 submitters: Uncertain significance (2). Last evaluated 2025-12-14.

Conditions:
Hypertrophic cardiomyopathy 10. Also called: CARDIOMYOPATHY, HYPERTROPHIC, MID-LEFT VENTRICULAR CHAMBER TYPE, 2; MYL2-Related Familial Hypertrophic Cardiomyopathy. Identifiers: MedGen C1834460, MONDO:0012112, OMIM 608758.

Allele frequency attached by ClinVar (database versions not stated): gnomAD 0.00001.

Submissions (2):

Labcorp Genetics (formerly Invitae), Labcorp
Classification: Uncertain significance for Hypertrophic cardiomyopathy 10. Last evaluated: 2025-12-14. Review status: criteria provided, single submitter. Criteria: Invitae Variant Classification Sherloc (09022015). Collection method: clinical testing. Allele origin: germline.
Comment: This sequence change replaces proline, which is neutral and non-polar, with threonine, which is neutral and polar, at codon 143 of the MYL2 protein (p.Pro143Thr). This variant is not present in population databases (gnomAD no frequency). This variant has not been reported in the literature in individuals affected with MYL2-related conditions. ClinVar contains an entry for this variant (Variation ID: 532776). An algorithm developed to predict the effect of missense changes on protein structure and function (PolyPhen-2) suggests that this variant is likely to be disruptive. In summary, the available evidence is currently insufficient to determine the role of this variant in disease. Therefore, it has been classified as a Variant of Uncertain Significance.

AiLife Diagnostics
Classification: Uncertain significance. Last evaluated: 2021-04-21. Review status: criteria provided, single submitter. Criteria: ACMG Guidelines, 2015. Collection method: clinical testing. Allele origin: germline. Affected: yes. Observed: 1 variant allele.

NM_000432.4(MYL2):c.427C>A (p.Pro143Thr)

Gene: MYL2 (myosin light chain 2; minus strand). Cytogenetic location: 12q24.11.
Variant type: single nucleotide variant.
Coding change: c.427C>A on transcript NM_000432.4 (MANE Select); coding-DNA position 427, C replaced by A.
Protein change: p.Pro143Thr; replaces proline 143 with threonine.
Molecular consequence: missense variant.
Genome position (GRCh38, 1-based): chr12:110,911,151, G>T on the plus strand (C>A on the coding strand, the complement: MYL2 is on the minus strand). VCF-style: chr12-110911151-G-T. GRCh37 (hg19) VCF-style: chr12-111348955-G-T.
Other names: short protein forms P143T.
Identifiers: ClinVar variation 532776 (VCV000532776.10), dbSNP rs1555257600, ClinGen allele CA386696952.